The following is an entry in ClinVar:

NM_001854.4(COL11A1):c.652-9T>C

Gene: COL11A1 (collagen type XI alpha 1 chain; minus strand). Cytogenetic location: 1p21.1.
Variant type: single nucleotide variant.
Coding change: c.652-9T>C on transcript NM_001854.4 (MANE Select); 9 bases into the intron before coding-DNA position 652, T replaced by C.
Molecular consequence: intron variant.
Genome position (GRCh38, 1-based): chr1:103,031,253, A>G on the plus strand (T>C on the coding strand, the complement: COL11A1 is on the minus strand). VCF-style: chr1-103031253-A-G. GRCh37 (hg19) VCF-style: chr1-103496809-A-G.
Other names: c.652-9T>C (NM_001190709.2, NM_080629.3, NM_080630.4).
Identifiers: ClinVar variation 4985062 (VCV004985062.1).

ClinVar aggregate classification (germline): Likely benign (1 of 4 stars; one submission).

Conditions:
COL11A1-related disorder. Also called: COL11A1-related condition; COL11A1-related disorders.

Submission:

PreventionGenetics, part of Exact Sciences
Classification: Likely benign for COL11A1-related condition. Last evaluated: 2026-08-25. Review status: criteria provided, single submitter. Criteria: ACMG Guidelines, 2015. Collection method: clinical testing. Allele origin: germline.
Comment: This variant is classified as likely benign based on ACMG/AMP sequence variant interpretation guidelines (Richards et al. 2015 PMID: 25741868, with internal and published modifications).